The following is an entry in ClinVar:

ClinVar aggregate classification (germline): Uncertain significance (1 of 4 stars; one submission).

Conditions:
Rubinstein-Taybi syndrome (RSTS). Identifiers: Orphanet 783, MedGen C0035934, MONDO:0019188.

gnomAD v4.1: 1 of 1,612,148 alleles (0.000062%); highest among the groups gnomAD compares: Non-Finnish European, 0.000085%; no homozygotes.

Submission:

Labcorp Genetics (formerly Invitae), Labcorp
Classification: Uncertain significance for Rubinstein-Taybi syndrome. Last evaluated: 2025-01-28. Review status: criteria provided, single submitter. Criteria: Invitae Variant Classification Sherloc (09022015). Collection method: clinical testing. Allele origin: germline.
Comment: This sequence change replaces glutamine, which is neutral and polar, with leucine, which is neutral and non-polar, at codon 2204 of the CREBBP protein (p.Gln2204Leu). This variant is not present in population databases (gnomAD no frequency). This variant has not been reported in the literature in individuals affected with CREBBP-related conditions. Invitae Evidence Modeling of protein sequence and biophysical properties (such as structural, functional, and spatial information, amino acid conservation, physicochemical variation, residue mobility, and thermodynamic stability) indicates that this missense variant is not expected to disrupt CREBBP protein function with a negative predictive value of 95%. In summary, the available evidence is currently insufficient to determine the role of this variant in disease. Therefore, it has been classified as a Variant of Uncertain Significance.

NM_004380.3(CREBBP):c.6611A>T (p.Gln2204Leu)

Gene: CREBBP (CREB binding lysine acetyltransferase; minus strand). Cytogenetic location: 16p13.3.
Variant type: single nucleotide variant.
Coding change: c.6611A>T on transcript NM_004380.3 (MANE Select); coding-DNA position 6611, A replaced by T.
Protein change: p.Gln2204Leu; replaces glutamine 2204 with leucine.
Molecular consequence: missense variant.
Genome position (GRCh38, 1-based): chr16:3,728,436, T>A on the plus strand (A>T on the coding strand, the complement: CREBBP is on the minus strand). VCF-style: chr16-3728436-T-A. GRCh37 (hg19) VCF-style: chr16-3778437-T-A.
Other names: c.6497A>T, p.Gln2166Leu (NM_001079846.1); short protein forms Q2166L, Q2204L.
Identifiers: ClinVar variation 3637265 (VCV003637265.2).
Genomic context (GRCh38, chr16:3,728,436, plus strand): 5'-CCCCCAGCCATGCCGGCACTCCCTTGCTGCTGCTGCTGTTGCTGCTGTTGTTGCTGCTGC[T>A]GTTGCTGCTGCTGCTGCAGCAGCTGCCTCCGTAACATTTCTCGGTACTGTGGATTCATAC-3'
Protein context (NP_004371.2, residues 2194-2214): RRQLLQQQQQ[Gln2204Leu]QQQQQQQQQQ